The following is an entry in ClinVar:

NC_000009.12:g.(?_127815662)_(127820057_?)del

Genes: ENG (endoglin; minus strand), LOC102723566 (uncharacterized LOC102723566; plus strand). Cytogenetic location: 9q34.11.
Variant type: Deletion.
Identifiers: ClinVar variation 528087 (VCV000528087.1).

ClinVar aggregate classification (germline): Pathogenic (1 of 4 stars; one submission).

Conditions:
Telangiectasia, hereditary hemorrhagic, type 1 (HHT1). Also called: Osler Weber Rendu syndrome type 1; ENG-Related Hereditary Hemorrhagic Telangiectasia. Identifiers: Orphanet 774, MedGen C4551861, MONDO:0008535, OMIM 187300. Disease mechanism: loss of function.

Submission:

Labcorp Genetics (formerly Invitae), Labcorp
Classification: Pathogenic for Osler hemorrhagic telangiectasia syndrome. Last evaluated: 2018-04-17. Review status: criteria provided, single submitter. Criteria: Invitae Variant Classification Sherloc (09022015). Collection method: clinical testing. Allele origin: germline.
Comment: This variant is a gross deletion of the genomic region encompassing exons 9-14 of the ENG gene. The 5' boundary is likely confined to intron 8. The 3' end of this event is unknown as it extends through the termination codon beyond the assayed region for this gene and may encompass additional genes. While this deletion is not anticipated to result in nonsense mediated decay, it is expected to create a truncated protein product or disrupt mRNA translation. Deletions of exons 9-14 have been reported in individuals affected with ENG-related disease and to segregate with epistaxis and telangiectasia in one single family (PMID: 12673790, 16705692,Â¬â€ 20414677). For these reasons, this variant has been classified as Pathogenic.

Literature cited by the submitters: PubMed 12673790; PubMed 16705692.